The following is an entry in ClinVar:

ClinVar aggregate classification (germline): Benign. Review status: criteria provided, multiple submitters, no conflicts (2 of 4 stars). 3 submissions from 3 submitters: Benign (2). 1 of the submissions does not count toward it. Last evaluated 2018-08-14.

Conditions:
MUC16-related disorder. Also called: MUC16-related condition.

Allele frequency attached by ClinVar (database versions not stated): ExAC 0.00442; gnomAD 0.01352 and 0.01441; 1000 Genomes Project 0.01637; gnomAD exomes 0.00162 and 0.00368; TOPMed 0.01563; 1000 Genomes Project 30x 0.01733; ESP Exome Variant Server 0.01553.

Submissions (3):

Labcorp Genetics (formerly Invitae), Labcorp
Classification: Benign. Last evaluated: 2018-08-14. Review status: criteria provided, single submitter. Criteria: Invitae Variant Classification Sherloc (09022015). Collection method: clinical testing. Allele origin: germline.

Breakthrough Genomics
Classification: Benign. Review status: criteria provided, single submitter. Criteria: ACMG Guidelines, 2015. Collection method: not provided. Allele origin: germline. Inheritance: Unknown mechanism. Affected: yes.

PreventionGenetics, part of Exact Sciences
Classification: Benign for MUC16-related condition. Last evaluated: 2019-03-25. Review status: no assertion criteria provided. Collection method: clinical testing. Allele origin: germline. Not counted in ClinVar's aggregate classification.
Comment: This variant is classified as benign based on ACMG/AMP sequence variant interpretation guidelines (Richards et al. 2015 PMID: 25741868, with internal and published modifications).

NM_001401501.2(MUC16):c.5754C>T (p.Gly1918=)

Gene: MUC16 (mucin 16, cell surface associated; minus strand). Cytogenetic location: 19p13.2.
Variant type: single nucleotide variant.
Coding change: c.5754C>T on transcript NM_001401501.2 (MANE Select); coding-DNA position 5754, C replaced by T.
Protein change: p.Gly1918=; no amino-acid change (glycine 1918 retained).
Molecular consequence: synonymous variant.
Genome position (GRCh38, 1-based): chr19:8,975,505, G>A on the plus strand (C>T on the coding strand, the complement: MUC16 is on the minus strand). VCF-style: chr19-8975505-G-A. GRCh37 (hg19) VCF-style: chr19-9086181-G-A.
Other names: c.6180C>T, p.Gly2060= (NM_001414686.1); c.5634C>T, p.Gly1878= (NM_001414687.1, NM_024690.2).
Identifiers: ClinVar variation 781431 (VCV000781431.6), dbSNP rs115112318, ClinGen allele CA9172592.
Genomic context (GRCh38, chr19:8,975,505, plus strand): 5'-GTAAGTCATGGAAGTGTGAGTGCTGTTTCCCATAGACAGGGACTTAGAAGAGGTATCAGA[G>A]CCGTTTTCCAATCTGGAGGCTCTAGTGACACCAGTATTCAATGACCTGTCAGTGGCCAAA-3'
Protein context (NP_001388430.1, residues 1908-1928): GVTRASRLEN[Gly1918=]SDTSSKSLSM